The following is an entry in ClinVar:

ClinVar aggregate classification (germline): Benign/Likely benign. Review status: criteria provided, multiple submitters, no conflicts (2 of 4 stars). 3 submissions from 3 submitters: Benign (1); Likely benign (2). Last evaluated 2026-06-18.

Conditions:
Polyps, multiple and recurrent inflammatory fibroid, gastrointestinal. Identifiers: MedGen C5193005, MONDO:0008285, OMIM 175510.

Allele frequency attached by ClinVar (database versions not stated): ExAC 0.00077; 1000 Genomes Project 30x 0.00172; 1000 Genomes Project 0.00180; ESP Exome Variant Server 0.00308; gnomAD exomes 0.00068.
gnomAD v4.1: 1,025 of 1,613,970 alleles (0.064%); highest among the groups gnomAD compares: African/African-American, 0.86%; 5 homozygotes.

Submissions (3):

Myriad Genetics, Inc.
Classification: Benign for Polyps, multiple and recurrent inflammatory fibroid, gastrointestinal. Last evaluated: 2026-06-18. Review status: criteria provided, single submitter. Criteria: Myriad Autosomal Dominant, Autosomal Recessive and X-Linked Classification Criteria (2023). Collection method: clinical testing. Allele origin: unknown.
Comment: This variant is considered benign. This variant occurs in the non-coding 3' untranslated region of the gene, and is not expected to impact protein function.

Genetic Services Laboratory, University of Chicago
Classification: Likely benign. Last evaluated: 2021-07-27. Review status: criteria provided, single submitter. Criteria: ACMG Guidelines, 2015. Collection method: clinical testing. Allele origin: germline. Affected: no.

Breakthrough Genomics
Classification: Likely benign. Review status: criteria provided, single submitter. Criteria: ACMG Guidelines, 2015. Collection method: not provided. Allele origin: germline. Inheritance: Autosomal dominant inheritance. Affected: yes.

NM_006206.6(PDGFRA):c.*6G>A

Gene: PDGFRA (platelet derived growth factor receptor alpha; plus strand). Cytogenetic location: 4q12.
Variant type: single nucleotide variant.
Coding change: c.*6G>A on transcript NM_006206.6 (MANE Select); 6 bases downstream of the stop codon, G replaced by A.
Molecular consequence: 3 prime UTR variant.
Genome position (GRCh38, 1-based): chr4:54,295,278, G>A. VCF-style: chr4-54295278-G-A. GRCh37 (hg19) VCF-style: chr4-55161445-G-A.
Other names: c.*6G>A (NM_001347828.2, NM_001347829.2, NM_001347830.2).
Identifiers: ClinVar variation 1336011 (VCV001336011.6), dbSNP rs148697831, ClinGen allele CA2923082.